The following is an entry in ClinVar:

ClinVar aggregate classification (germline): Uncertain significance (1 of 4 stars; one submission).

Conditions:
Fabry disease. Also called: ALPHA-GALACTOSIDASE A DEFICIENCY; ANDERSON-FABRY DISEASE; CERAMIDE TRIHEXOSIDASE DEFICIENCY; GLA DEFICIENCY; HEREDITARY DYSTOPIC LIPIDOSIS; Fabry's disease. Identifiers: Orphanet 324, MedGen C0002986, MONDO:0010526, OMIM 301500, HP:0001071. Disease mechanism: loss of function, Fabry disease is due to inactivating mutations in the X-linked GLA gene resulting in deficiency of the enzyme Alpha Galactosidase-A..

Submissions (2):

Labcorp Genetics (formerly Invitae), Labcorp
Classification: Uncertain significance for Fabry disease. Last evaluated: 2019-10-03. Review status: criteria provided, single submitter. Criteria: Invitae Variant Classification Sherloc (09022015). Collection method: clinical testing. Allele origin: germline.
Comment: In summary, the available evidence is currently insufficient to determine the role of this variant in disease. Therefore, it has been classified as a Variant of Uncertain Significance. Algorithms developed to predict the effect of sequence changes on RNA splicing suggest that this variant may create or strengthen a splice site, but this prediction has not been confirmed by published transcriptional studies. Algorithms developed to predict the effect of missense changes on protein structure and function are either unavailable or do not agree on the potential impact of this missense change (SIFT: "Deleterious"; PolyPhen-2: "Benign"; Align-GVGD: "Class C15"). This variant has not been reported in the literature in individuals with GLA-related conditions. This variant is not present in population databases (ExAC no frequency). This sequence change replaces aspartic acid with glycine at codon 182 of the GLA protein (p.Asp182Gly). The aspartic acid residue is weakly conserved and there is a moderate physicochemical difference between aspartic acid and glycine.

Dr. Peter K. Rogan Lab, Western University
No classification provided (evidence only). Condition: Thyroid cancer, nonmedullary, 1. Review status: no classification provided. Collection method: in vitro. Allele origin: not applicable. Functional consequence: retained intron. Not counted in ClinVar's aggregate classification.

NM_000169.3(GLA):c.545A>G (p.Asp182Gly)

Genes: GLA (galactosidase alpha; minus strand), RPL36A-HNRNPH2 (RPL36A-HNRNPH2 readthrough; plus strand). Cytogenetic location: Xq22.1.
Variant type: single nucleotide variant.
Coding change: c.545A>G on transcript NM_000169.3 (MANE Select); coding-DNA position 545, A replaced by G.
Protein change: p.Asp182Gly; replaces aspartic acid 182 with glycine.
Molecular consequence: missense variant. On other transcripts: non-coding transcript variant (3), intron variant (2).
Genome position (GRCh38, 1-based): chrX:101,401,634, T>C on the plus strand (A>G on the coding strand, the complement: GLA is on the minus strand). VCF-style: chrX-101401634-T-C. GRCh37 (hg19) VCF-style: chrX-100656622-T-C.
Other names: c.668A>G, p.Asp223Gly (NM_001406749.1, NM_001406747.1); c.300+6177T>C (NM_001199973.2); c.177+9812T>C (NM_001199974.2); c.545A>G, p.Asp182Gly (NM_001406748.1); short protein forms D182G, D223G.
Identifiers: ClinVar variation 935350 (VCV000935350.11), dbSNP rs1928316998, ClinGen allele CA413928419.